The following is an entry in ClinVar:

ClinVar aggregate classification (germline): Uncertain significance (1 of 4 stars; one submission).

Submission:

GeneDx
Classification: Uncertain significance. Last evaluated: 2026-04-07. Review status: criteria provided, single submitter. Criteria: GeneDx Variant Classification Process June 2021. Collection method: clinical testing. Allele origin: germline.
Comment: Not observed at significant frequency in large population cohorts (gnomAD); In silico analysis supports that this missense variant has a deleterious effect on protein structure/function; Has not been previously published as pathogenic or benign to our knowledge

NM_031407.7(HUWE1):c.11128A>G (p.Met3710Val)

Gene: HUWE1 (HECT, UBA and WWE domain containing E3 ubiquitin protein ligase 1; minus strand). Cytogenetic location: Xp11.22.
Variant type: single nucleotide variant.
Coding change: c.11128A>G on transcript NM_031407.7 (MANE Select); coding-DNA position 11128, A replaced by G.
Protein change: p.Met3710Val; replaces methionine 3710 with valine.
Molecular consequence: missense variant.
Genome position (GRCh38, 1-based): chrX:53,544,683, T>C on the plus strand (A>G on the coding strand, the complement: HUWE1 is on the minus strand). VCF-style: chrX-53544683-T-C. GRCh37 (hg19) VCF-style: chrX-53571644-T-C.
Other names: c.10726A>G, p.Met3576Val (NM_001441052.1); c.11125A>G, p.Met3709Val (NM_001441053.1, NM_001441056.1, NM_001441058.1 and 2 more transcripts); c.11128A>G, p.Met3710Val (NM_001441054.1, NM_001441057.1, NM_001441049.1); c.11149A>G, p.Met3717Val (NM_001441055.1, NM_001441050.1); short protein forms M3576V, M3709V, M3710V, M3717V.
Identifiers: ClinVar variation 5018222 (VCV005018222.1).
Genomic context (GRCh38, chrX:53,544,683, plus strand): 5'-TGACCTGTAGTACCCTCAAGAAGAACTTCTGGGTAGATGTCTTGGATGTCAACATGGACA[T>C]AGAAGGCAGCTGGAGCTCCCGGCCACCCAAAGGTCGCTTCTGAGATGCCACAATTACCAC-3'
Protein context (NP_113584.3, residues 3700-3720): LGGRELQLPS[Met3710Val]SMLTSKTSTQ